The following is an entry in ClinVar:

NM_015910.7(WDPCP):c.75+16823G>C

Gene: WDPCP (WD repeat containing planar cell polarity effector; minus strand). Cytogenetic location: 2p15.
Variant type: single nucleotide variant.
Coding change: c.75+16823G>C on transcript NM_015910.7 (MANE Select); 16823 bases into the intron after coding-DNA position 75, G replaced by C.
Molecular consequence: intron variant. On other transcripts: splice donor variant (1).
Genome position (GRCh38, 1-based): chr2:63,571,374, C>G on the plus strand (G>C on the coding strand, the complement: WDPCP is on the minus strand). VCF-style: chr2-63571374-C-G. GRCh37 (hg19) VCF-style: chr2-63798508-C-G.
Other names: c.3+1G>C (NM_001354044.2); c.75+16823G>C (NM_001354045.2).
Identifiers: ClinVar variation 3348935 (VCV003348935.1).

ClinVar aggregate classification (germline): Uncertain significance (0 of 4 stars; one submission).

Conditions:
WDPCP-related disorder. Also called: WDPCP-related condition.

gnomAD v4.1: 1 of 460,418 alleles (0.00022%); highest among the groups gnomAD compares: Non-Finnish European, 0.00044%; no homozygotes.

Submission:

PreventionGenetics, part of Exact Sciences
Classification: Uncertain significance for WDPCP-related condition. Last evaluated: 2023-11-11. Review status: no assertion criteria provided. Collection method: clinical testing. Allele origin: germline.
Comment: The WDPCP c.3+1G>C variant is predicted to disrupt the GT donor site and interfere with normal splicing. Of note, when using the canonical transcript NM_015910, this variant is referred to as a deep intronic variant c.75+16823G>C. To our knowledge, this variant has not been reported in the literature or in a large population database, indicating this variant is rare. At this time, the clinical significance of this variant is uncertain due to the absence of conclusive functional and genetic evidence.